The following is an entry in ClinVar:

ClinVar aggregate classification (germline): Likely benign. Review status: criteria provided, multiple submitters, no conflicts (2 of 4 stars). 4 submissions from 4 submitters: Likely benign (4). Last evaluated 2025-12-16.

Conditions:
RASopathy. Also called: Noonan spectrum disorder; rasopathies. Identifiers: Orphanet 536391, MedGen C5555857, MONDO:0021060.
Cardiovascular phenotype. Identifiers: MedGen CN230736.

Allele frequency attached by ClinVar (database versions not stated): TOPMed 0.00001; gnomAD exomes 0.00002; ExAC 0.00004; ESP Exome Variant Server 0.00008.
gnomAD v4.1: 24 of 1,614,152 alleles (0.0015%); highest among the groups gnomAD compares: South Asian, 0.025%; 1 homozygote.

Submissions (4):

Ambry Genetics
Classification: Likely benign for Cardiovascular phenotype. Last evaluated: 2025-12-16. Review status: criteria provided, single submitter. Criteria: Ambry Variant Classification Scheme 2023. Collection method: clinical testing. Allele origin: germline.

Labcorp Genetics (formerly Invitae), Labcorp
Classification: Likely benign for RASopathy. Last evaluated: 2025-05-01. Review status: criteria provided, single submitter. Criteria: Invitae Variant Classification Sherloc (09022015). Collection method: clinical testing. Allele origin: germline.

CeGaT Center for Human Genetics Tuebingen
Classification: Likely benign. Last evaluated: 2024-04-01. Review status: criteria provided, single submitter. Criteria: CeGaT Center For Human Genetics Tuebingen Variant Classification Criteria Version 2. Collection method: clinical testing. Allele origin: germline. Affected: yes. Observed: 2 variant alleles.
Comment: BRAF: BP4, BP7

Blueprint Genetics
Classification: Likely benign. Last evaluated: 2022-11-01. Review status: criteria provided, single submitter. Criteria: ACMG Guidelines, 2015. Collection method: clinical testing. Allele origin: germline.

NM_004333.6(BRAF):c.288A>G (p.Glu96=)

Gene: BRAF (B-Raf proto-oncogene, serine/threonine kinase; minus strand). Cytogenetic location: 7q34.
Variant type: single nucleotide variant.
Coding change: c.288A>G on transcript NM_004333.6 (MANE Select); coding-DNA position 288, A replaced by G.
Protein change: p.Glu96=; no amino-acid change (glutamic acid 96 retained).
Molecular consequence: synonymous variant. On other transcripts: intron variant (1).
Genome position (GRCh38, 1-based): chr7:140,834,825, T>C on the plus strand (A>G on the coding strand, the complement: BRAF is on the minus strand). VCF-style: chr7-140834825-T-C. GRCh37 (hg19) VCF-style: chr7-140534625-T-C.
Other names: c.288A>G, p.Glu96= (NM_001354609.2, NM_001374244.1, NM_001374258.1 and 5 more transcripts); c.186A>G, p.Glu62= (NM_001378470.1); c.132A>G, p.Glu44= (NM_001378472.1, NM_001378473.1); c.240+15286A>G (NM_001378475.1).
Identifiers: ClinVar variation 2417839 (VCV002417839.32), dbSNP rs373545899, ClinGen allele CA4516993.